The following is an entry in ClinVar:

ClinVar aggregate classification (germline): Uncertain significance (1 of 4 stars; one submission).

Conditions:
Duchenne muscular dystrophy (DMD). Also called: MUSCULAR DYSTROPHY, PSEUDOHYPERTROPHIC PROGRESSIVE, DUCHENNE TYPE; Duchenne Muscular Dystrophy (DMD). Identifiers: Orphanet 98896, MedGen C0013264, MONDO:0010679, OMIM 310200.

gnomAD v4.1: 1 of 1,207,588 alleles (0.000083%); highest among the groups gnomAD compares: Non-Finnish European, 0.00011%; no homozygotes.

Submission:

Labcorp Genetics (formerly Invitae), Labcorp
Classification: Uncertain significance for Duchenne muscular dystrophy. Last evaluated: 2025-11-24. Review status: criteria provided, single submitter. Criteria: Invitae Variant Classification Sherloc (09022015). Collection method: clinical testing. Allele origin: germline.
Comment: This sequence change replaces threonine, which is neutral and polar, with alanine, which is neutral and non-polar, at codon 467 of the DMD protein (p.Thr467Ala). This variant is not present in population databases (gnomAD no frequency). This variant has not been reported in the literature in individuals affected with DMD-related conditions. Invitae Evidence Modeling of protein sequence and biophysical properties (such as structural, functional, and spatial information, amino acid conservation, physicochemical variation, residue mobility, and thermodynamic stability) indicates that this missense variant is not expected to disrupt DMD protein function with a negative predictive value of 95%. In summary, the available evidence is currently insufficient to determine the role of this variant in disease. Therefore, it has been classified as a Variant of Uncertain Significance.

NM_004006.3(DMD):c.1399A>G (p.Thr467Ala)

Gene: DMD (dystrophin; minus strand). Cytogenetic location: Xp21.1.
Variant type: single nucleotide variant.
Coding change: c.1399A>G on transcript NM_004006.3 (MANE Select); coding-DNA position 1399, A replaced by G.
Protein change: p.Thr467Ala; replaces threonine 467 with alanine.
Molecular consequence: missense variant.
Genome position (GRCh38, 1-based): chrX:32,614,386, T>C on the plus strand (A>G on the coding strand, the complement: DMD is on the minus strand). VCF-style: chrX-32614386-T-C. GRCh37 (hg19) VCF-style: chrX-32632503-T-C.
Other names: c.1375A>G, p.Thr459Ala (NM_000109.4); c.1387A>G, p.Thr463Ala (NM_004009.3); c.1030A>G, p.Thr344Ala (NM_004010.3); short protein forms T459A, T467A, T344A, T463A.
Identifiers: ClinVar variation 4740400 (VCV004740400.1).